The following is an entry in ClinVar:

NM_002941.4(ROBO1):c.1223C>T (p.Ser408Phe)

Gene: ROBO1 (roundabout guidance receptor 1; minus strand). Cytogenetic location: 3p12.3.
Variant type: single nucleotide variant.
Coding change: c.1223C>T on transcript NM_002941.4 (MANE Select); coding-DNA position 1223, C replaced by T.
Protein change: p.Ser408Phe; replaces serine 408 with phenylalanine.
Molecular consequence: missense variant.
Genome position (GRCh38, 1-based): chr3:78,685,865, G>A on the plus strand (C>T on the coding strand, the complement: ROBO1 is on the minus strand). VCF-style: chr3-78685865-G-A. GRCh37 (hg19) VCF-style: chr3-78735015-G-A.
Other names: c.1115C>T, p.Ser372Phe (NM_001145844.1, NM_001145845.2, NM_133631.4); short protein forms S372F, S408F.
Identifiers: ClinVar variation 2653981 (VCV002653981.24), dbSNP rs2472332357, ClinGen allele CA353652296.

ClinVar aggregate classification (germline): Uncertain significance (1 of 4 stars; one submission).

Submission:

CeGaT Center for Human Genetics Tuebingen
Classification: Uncertain significance. Last evaluated: 2023-01-01. Review status: criteria provided, single submitter. Criteria: CeGaT Center For Human Genetics Tuebingen Variant Classification Criteria Version 2. Collection method: clinical testing. Allele origin: germline. Affected: yes. Observed: 1 variant allele.
Comment: ROBO1: PM2